The following is an entry in ClinVar:

ClinVar aggregate classification (germline): Pathogenic (1 of 4 stars; one submission).

Conditions:
Neurofibromatosis, type 1 (NF1). Also called: Neurofibromatosis, type I; Peripheral type neurofibromatosis; VON RECKLINGHAUSEN DISEASE; NEUROFIBROMATOSIS, TYPE I, SOMATIC. Identifiers: Orphanet 636, MedGen C0027831, MONDO:0018975, OMIM 162200. Disease mechanism: loss of function.

Submission:

Labcorp Genetics (formerly Invitae), Labcorp
Classification: Pathogenic for Neurofibromatosis, type 1. Last evaluated: 2022-02-22. Review status: criteria provided, single submitter. Criteria: Invitae Variant Classification Sherloc (09022015). Collection method: clinical testing. Allele origin: germline.
Comment: This sequence change creates a premature translational stop signal (p.Arg711Profs*5) in the NF1 gene. It is expected to result in an absent or disrupted protein product. Loss-of-function variants in NF1 are known to be pathogenic (PMID: 10712197, 23913538). This variant is not present in population databases (gnomAD no frequency). This premature translational stop signal has been observed in individual(s) with neurofibromatosis type 1 (PMID: 23758643). For these reasons, this variant has been classified as Pathogenic.

Literature cited by the submitters: PubMed 10712197; PubMed 23913538; PubMed 23758643.

NM_001042492.3(NF1):c.2131dup (p.Arg711fs)

Gene: NF1 (neurofibromin 1; plus strand). Cytogenetic location: 17q11.2.
Variant type: Duplication.
Coding change: c.2131dup on transcript NM_001042492.3 (MANE Select); coding-DNA position 2131, one base duplicated (C; older notation c.2131dupC).
Protein change: p.Arg711fs; shifts the reading frame from arginine 711.
Molecular consequence: frameshift variant.
Genome position (GRCh38, 1-based): chr17:31,226,564, C duplicated; the last of 2 consecutive C bases (chr17:31,226,563-31,226,564); duplicating either gives the same sequence. VCF-style (leftmost placement, unchanged base first): chr17-31226562-T-TC. GRCh37 (hg19) VCF-style: chr17-29553580-T-TC.
Other names: c.2131dup, p.Arg711Profs (NM_000267.4); short protein forms R711fs.
Identifiers: ClinVar variation 2008567 (VCV002008567.4), dbSNP rs2067018223, ClinGen allele CA2580093157.